The following is an entry in ClinVar:

ClinVar aggregate classification (germline): Uncertain significance (1 of 4 stars; one submission).

Conditions:
Multiple congenital exostosis (EXT). Also called: Hereditary multiple osteochondromas; Multiple exostoses; MULTIPLE CARTILAGINOUS EXOSTOSES; Multiple osteochondromas; Hereditary multiple exostoses; Hereditary multiple exostosis. Identifiers: Orphanet 321, MedGen C0015306, MONDO:0005508, HP:0002762.

gnomAD v4.1: 15 of 1,613,998 alleles (0.00093%); highest among the groups gnomAD compares: Non-Finnish European, 0.0012%; no homozygotes.

Submission:

Labcorp Genetics (formerly Invitae), Labcorp
Classification: Uncertain significance for Multiple congenital exostosis. Last evaluated: 2025-03-14. Review status: criteria provided, single submitter. Criteria: Invitae Variant Classification Sherloc (09022015). Collection method: clinical testing. Allele origin: germline.
Comment: This sequence change replaces alanine, which is neutral and non-polar, with valine, which is neutral and non-polar, at codon 217 of the EXT1 protein (p.Ala217Val). This variant is present in population databases (rs757740272, gnomAD 0.002%). This variant has not been reported in the literature in individuals affected with EXT1-related conditions. Invitae Evidence Modeling of protein sequence and biophysical properties (such as structural, functional, and spatial information, amino acid conservation, physicochemical variation, residue mobility, and thermodynamic stability) indicates that this missense variant is not expected to disrupt EXT1 protein function with a negative predictive value of 80%. In summary, the available evidence is currently insufficient to determine the role of this variant in disease. Therefore, it has been classified as a Variant of Uncertain Significance.

NM_000127.3(EXT1):c.650C>T (p.Ala217Val)

Gene: EXT1 (exostosin glycosyltransferase 1; minus strand). Cytogenetic location: 8q24.11.
Variant type: single nucleotide variant.
Coding change: c.650C>T on transcript NM_000127.3 (MANE Select); coding-DNA position 650, C replaced by T.
Protein change: p.Ala217Val; replaces alanine 217 with valine.
Molecular consequence: missense variant.
Genome position (GRCh38, 1-based): chr8:118,110,397, G>A on the plus strand (C>T on the coding strand, the complement: EXT1 is on the minus strand). VCF-style: chr8-118110397-G-A. GRCh37 (hg19) VCF-style: chr8-119122636-G-A.
Other names: short protein forms A217V.
Identifiers: ClinVar variation 4749963 (VCV004749963.1).